The following is an entry in ClinVar:

NM_001394998.1(TANC2):c.3457C>A (p.His1153Asn)

Genes: TANC2 (tetratricopeptide repeat, ankyrin repeat and coiled-coil containing 2; plus strand), LOC105371856 (uncharacterized LOC105371856; minus strand). Cytogenetic location: 17q23.3.
Variant type: single nucleotide variant.
Coding change: c.3457C>A on transcript NM_001394998.1 (MANE Select); coding-DNA position 3457, C replaced by A.
Protein change: p.His1153Asn; replaces histidine 1153 with asparagine.
Molecular consequence: missense variant.
Genome position (GRCh38, 1-based): chr17:63,405,247, C>A. VCF-style: chr17-63405247-C-A. GRCh37 (hg19) VCF-style: chr17-61482608-C-A.
Other names: c.3235C>A, p.His1079Asn (NM_001411076.1, NM_025185.4); short protein forms H1153N, H1079N.
Identifiers: ClinVar variation 1984871 (VCV001984871.4), dbSNP rs1377882035, ClinGen allele CA400535802.

ClinVar aggregate classification (germline): Uncertain significance (1 of 4 stars; one submission).

Submission:

Labcorp Genetics (formerly Invitae), Labcorp
Classification: Uncertain significance. Last evaluated: 2022-07-27. Review status: criteria provided, single submitter. Criteria: Invitae Variant Classification Sherloc (09022015). Collection method: clinical testing. Allele origin: germline.
Comment: This variant has not been reported in the literature in individuals affected with TANC2-related conditions. This variant is not present in population databases (gnomAD no frequency). This sequence change replaces histidine, which is basic and polar, with asparagine, which is neutral and polar, at codon 1079 of the TANC2 protein (p.His1079Asn). Algorithms developed to predict the effect of missense changes on protein structure and function (SIFT, PolyPhen-2, Align-GVGD) all suggest that this variant is likely to be disruptive. In summary, the available evidence is currently insufficient to determine the role of this variant in disease. Therefore, it has been classified as a Variant of Uncertain Significance.